The following is an entry in ClinVar:

NM_000553.6(WRN):c.1081G>T (p.Asp361Tyr)

Gene: WRN (WRN RecQ like helicase; plus strand). Cytogenetic location: 8p12.
Variant type: single nucleotide variant.
Coding change: c.1081G>T on transcript NM_000553.6 (MANE Select); coding-DNA position 1081, G replaced by T.
Protein change: p.Asp361Tyr; replaces aspartic acid 361 with tyrosine.
Molecular consequence: missense variant.
Genome position (GRCh38, 1-based): chr8:31,081,108, G>T. VCF-style: chr8-31081108-G-T. GRCh37 (hg19) VCF-style: chr8-30938624-G-T.
Other names: short protein forms D361Y.
Identifiers: ClinVar variation 404034 (VCV000404034.9), dbSNP rs751850825, ClinGen allele CA4704247.

ClinVar aggregate classification (germline): Uncertain significance. Review status: criteria provided, multiple submitters, no conflicts (2 of 4 stars). 2 submissions from 2 submitters: Uncertain significance (2). Last evaluated 2025-07-31.

Conditions:
Werner syndrome (WRN). Identifiers: Orphanet 902, MedGen C0043119, MONDO:0010196, OMIM 277700.

Allele frequency attached by ClinVar (database versions not stated): gnomAD below 0.00001 and 0.00001; ExAC 0.00001; gnomAD exomes 0.00001.
gnomAD v4.1: 12 of 1,614,018 alleles (0.00074%); highest among the groups gnomAD compares: Middle Eastern, 0.017%; no homozygotes.

Submissions (2):

Labcorp Genetics (formerly Invitae), Labcorp
Classification: Uncertain significance for Werner syndrome. Last evaluated: 2025-07-31. Review status: criteria provided, single submitter. Criteria: Invitae Variant Classification Sherloc (09022015). Collection method: clinical testing. Allele origin: germline.
Comment: This sequence change replaces aspartic acid, which is acidic and polar, with tyrosine, which is neutral and polar, at codon 361 of the WRN protein (p.Asp361Tyr). This variant is present in population databases (rs751850825, gnomAD 0.01%). This variant has not been reported in the literature in individuals affected with WRN-related conditions. ClinVar contains an entry for this variant (Variation ID: 404034). An algorithm developed to predict the effect of missense changes on protein structure and function (PolyPhen-2) suggests that this variant is likely to be tolerated. In summary, the available evidence is currently insufficient to determine the role of this variant in disease. Therefore, it has been classified as a Variant of Uncertain Significance.

Blueprint Genetics
Classification: Uncertain significance. Last evaluated: 2024-04-12. Review status: criteria provided, single submitter. Criteria: ACMG Guidelines, 2015. Collection method: clinical testing. Allele origin: germline.